The following is an entry in ClinVar:

ClinVar aggregate classification (germline): Uncertain significance (1 of 4 stars; one submission).

Conditions:
Peroxisome biogenesis disorder. Identifiers: Orphanet 79189, MedGen C1832200, MONDO:0019234. Disease mechanism: loss of function.

Allele frequency attached by ClinVar (database versions not stated): TOPMed below 0.00001.

Submission:

Labcorp Genetics (formerly Invitae), Labcorp
Classification: Uncertain significance for Peroxisome biogenesis disorder. Last evaluated: 2024-11-11. Review status: criteria provided, single submitter. Criteria: Invitae Variant Classification Sherloc (09022015). Collection method: clinical testing. Allele origin: germline.
Comment: This sequence change replaces arginine, which is basic and polar, with glutamine, which is neutral and polar, at codon 195 of the PEX16 protein (p.Arg195Gln). This variant is present in population databases (no rsID available, gnomAD 0.03%). This variant has not been reported in the literature in individuals affected with PEX16-related conditions. ClinVar contains an entry for this variant (Variation ID: 1720567). Invitae Evidence Modeling of protein sequence and biophysical properties (such as structural, functional, and spatial information, amino acid conservation, physicochemical variation, residue mobility, and thermodynamic stability) indicates that this missense variant is not expected to disrupt PEX16 protein function with a negative predictive value of 80%. In summary, the available evidence is currently insufficient to determine the role of this variant in disease. Therefore, it has been classified as a Variant of Uncertain Significance.

NM_004813.4(PEX16):c.584G>A (p.Arg195Gln)

Gene: PEX16 (peroxisomal biogenesis factor 16; minus strand). Cytogenetic location: 11p11.2.
Variant type: single nucleotide variant.
Coding change: c.584G>A on transcript NM_004813.4 (MANE Select); coding-DNA position 584, G replaced by A.
Protein change: p.Arg195Gln; replaces arginine 195 with glutamine.
Molecular consequence: missense variant.
Genome position (GRCh38, 1-based): chr11:45,914,426, C>T on the plus strand (G>A on the coding strand, the complement: PEX16 is on the minus strand). VCF-style: chr11-45914426-C-T. GRCh37 (hg19) VCF-style: chr11-45935977-C-T.
Other names: c.584G>A, p.Arg195Gln (NM_057174.3); short protein forms R195Q.
Identifiers: ClinVar variation 1720567 (VCV001720567.5), dbSNP rs959280173, ClinGen allele CA221588054.